The following is an entry in ClinVar:

NM_001083961.2(WDR62):c.3724G>A (p.Val1242Met)

Gene: WDR62 (WD repeat domain 62; plus strand). Cytogenetic location: 19q13.12.
Variant type: single nucleotide variant.
Coding change: c.3724G>A on transcript NM_001083961.2 (MANE Select); coding-DNA position 3724, G replaced by A.
Protein change: p.Val1242Met; replaces valine 1242 with methionine.
Molecular consequence: missense variant.
Genome position (GRCh38, 1-based): chr19:36,103,552, G>A. VCF-style: chr19-36103552-G-A. GRCh37 (hg19) VCF-style: chr19-36594454-G-A.
Other names: c.3709G>A, p.Val1237Met (NM_173636.5); short protein forms V1242M, V1237M.
Identifiers: ClinVar variation 328928 (VCV000328928.12), dbSNP rs143493857, ClinGen allele CA9396372.

ClinVar aggregate classification (germline): Uncertain significance. Review status: criteria provided, multiple submitters, no conflicts (2 of 4 stars). 4 submissions from 4 submitters: Uncertain significance (4). Last evaluated 2025-11-08.

Conditions:
Inborn genetic diseases. Identifiers: MedGen C0950123, MeSH D030342.
Microcephaly 2, primary, autosomal recessive, with or without cortical malformations. Also called: MICROCEPHALY 2, PRIMARY, AUTOSOMAL RECESSIVE, WITH CORTICAL MALFORMATIONS; WDR62 Primary Microcephaly. Identifiers: Orphanet 2512, MedGen C1858535, MONDO:0011435, OMIM 604317.

Allele frequency attached by ClinVar (database versions not stated): ExAC 0.00006; ESP Exome Variant Server 0.00008; gnomAD 0.00015 and 0.00016; TOPMed 0.00018; 1000 Genomes Project 0.00060; 1000 Genomes Project 30x 0.00062.

Submissions (4):

Ambry Genetics
Classification: Uncertain significance for Inborn genetic diseases. Last evaluated: 2025-11-08. Review status: criteria provided, single submitter. Criteria: Ambry Variant Classification Scheme 2023. Collection method: clinical testing. Allele origin: germline.

Labcorp Genetics (formerly Invitae), Labcorp
Classification: Uncertain significance. Last evaluated: 2022-09-07. Review status: criteria provided, single submitter. Criteria: Invitae Variant Classification Sherloc (09022015). Collection method: clinical testing. Allele origin: germline.
Comment: This sequence change replaces valine, which is neutral and non-polar, with methionine, which is neutral and non-polar, at codon 1242 of the WDR62 protein (p.Val1242Met). This variant is present in population databases (rs143493857, gnomAD 0.01%). This variant has not been reported in the literature in individuals affected with WDR62-related conditions. ClinVar contains an entry for this variant (Variation ID: 328928). Algorithms developed to predict the effect of missense changes on protein structure and function output the following: SIFT: "Tolerated"; PolyPhen-2: "Benign"; Align-GVGD: "Class C0". The methionine amino acid residue is found in multiple mammalian species, which suggests that this missense change does not adversely affect protein function. In summary, the available evidence is currently insufficient to determine the role of this variant in disease. Therefore, it has been classified as a Variant of Uncertain Significance.

Illumina Laboratory Services, Illumina
Classification: Uncertain significance for Microcephaly 2, primary, autosomal recessive, with or without cortical malformations. Last evaluated: 2018-01-13. Review status: criteria provided, single submitter. Criteria: ICSL Variant Classification Criteria 13 December 2019. Collection method: clinical testing. Allele origin: germline.

Breakthrough Genomics
Classification: Uncertain significance. Review status: criteria provided, single submitter. Criteria: ACMG Guidelines, 2015. Collection method: not provided. Allele origin: germline. Inheritance: Autosomal dominant inheritance. Affected: yes.